The following is an entry in ClinVar:

NM_001035.3(RYR2):c.3401C>G (p.Ala1134Gly)

Gene: RYR2 (ryanodine receptor 2; plus strand). Cytogenetic location: 1q43.
Variant type: single nucleotide variant.
Coding change: c.3401C>G on transcript NM_001035.3 (MANE Select); coding-DNA position 3401, C replaced by G.
Protein change: p.Ala1134Gly; replaces alanine 1134 with glycine.
Molecular consequence: missense variant.
Genome position (GRCh38, 1-based): chr1:237,566,753, C>G. VCF-style: chr1-237566753-C-G. GRCh37 (hg19) VCF-style: chr1-237730053-C-G.
Other names: c.3401C>G, p.Ala1134Gly (LRG_402t1); short protein forms A1134G.
Identifiers: ClinVar variation 581980 (VCV000581980.9), dbSNP rs1319844305, ClinGen allele CA345398860.

ClinVar aggregate classification (germline): Uncertain significance. Review status: criteria provided, multiple submitters, no conflicts (2 of 4 stars). 2 submissions from 2 submitters: Uncertain significance (2). Last evaluated 2025-09-10.

Conditions:
Catecholaminergic polymorphic ventricular tachycardia 1. Also called: VENTRICULAR TACHYCARDIA, CATECHOLAMINERGIC POLYMORPHIC, 1, WITH OR WITHOUT ATRIAL DYSFUNCTION AND/OR DILATED CARDIOMYOPATHY; RYR2-Related Catecholaminergic Polymorphic Ventricular Tachycardia; VENTRICULAR TACHYCARDIA, STRESS-INDUCED POLYMORPHIC 1. Identifiers: Orphanet 3286, MedGen C1631597, MONDO:0011484, OMIM 604772.
Catecholaminergic polymorphic ventricular tachycardia (CVPT). Also called: Catecholamine-induced polymorphic ventricular tachycardia. Identifiers: Orphanet 3286, MedGen C5574922, MONDO:0017990.

gnomAD v4.1: 4 of 1,613,978 alleles (0.00025%); highest among the groups gnomAD compares: Non-Finnish European, 0.00034%; no homozygotes.

Submissions (2):

Labcorp Genetics (formerly Invitae), Labcorp
Classification: Uncertain significance for Catecholaminergic polymorphic ventricular tachycardia 1. Last evaluated: 2025-09-10. Review status: criteria provided, single submitter. Criteria: Invitae Variant Classification Sherloc (09022015). Collection method: clinical testing. Allele origin: germline.
Comment: This sequence change replaces alanine, which is neutral and non-polar, with glycine, which is neutral and non-polar, at codon 1134 of the RYR2 protein (p.Ala1134Gly). This variant is present in population databases (no rsID available, gnomAD 0.0009%). This variant has not been reported in the literature in individuals affected with RYR2-related conditions. ClinVar contains an entry for this variant (Variation ID: 581980). Invitae Evidence Modeling of protein sequence and biophysical properties (such as structural, functional, and spatial information, amino acid conservation, physicochemical variation, residue mobility, and thermodynamic stability) indicates that this missense variant is not expected to disrupt RYR2 protein function with a negative predictive value of 95%. In summary, the available evidence is currently insufficient to determine the role of this variant in disease. Therefore, it has been classified as a Variant of Uncertain Significance.

All of Us Research Program, National Institutes of Health
Classification: Uncertain significance for Catecholaminergic polymorphic ventricular tachycardia. Last evaluated: 2023-05-16. Review status: criteria provided, single submitter. Criteria: ACMG Guidelines, 2015. Collection method: clinical testing. Allele origin: germline. Inheritance: Autosomal dominant inheritance. Observed: 1 variant allele, 1 heterozygote.
Comment: This missense variant replaces alanine with glycine at codon 1134 of the RYR2 protein. Computational prediction suggests that this variant may not impact protein structure and function (internally defined REVEL score threshold <= 0.5, PMID: 27666373). To our knowledge, functional studies have not been reported for this variant. This variant has not been reported in individuals affected with RYR2-related disorders in the literature. This variant has been identified in 1/249140 chromosomes in the general population by the Genome Aggregation Database (gnomAD). The available evidence is insufficient to determine the role of this variant in disease conclusively. Therefore, this variant is classified as a Variant of Uncertain Significance.

This study involves interpretation of variants in research participants for the purpose of population health screening. Participant phenotype was not available at the time of variant classification. Additional details can be found in publication PMID: 35346344, PMCID: PMC8962531